The following is an entry in ClinVar:

NM_002894.3(RBBP8):c.2029-127T>A

Gene: RBBP8 (RB binding protein 8, endonuclease; plus strand). Cytogenetic location: 18q11.2.
Variant type: single nucleotide variant.
Coding change: c.2029-127T>A on transcript NM_002894.3 (MANE Select); 127 bases into the intron before coding-DNA position 2029, T replaced by A.
Molecular consequence: intron variant.
Genome position (GRCh38, 1-based): chr18:22,997,493, T>A. VCF-style: chr18-22997493-T-A. GRCh37 (hg19) VCF-style: chr18-20577456-T-A.
Other names: c.2029-127T>A (NM_203292.2, NM_203291.2).
Identifiers: ClinVar variation 673333 (VCV000673333.1), dbSNP rs2305886, ClinGen allele CA16552316.

ClinVar aggregate classification (germline): Benign (1 of 4 stars; one submission).

Allele frequency attached by ClinVar (database versions not stated): 1000 Genomes Project 30x 0.41958; 1000 Genomes Project 0.42991; TOPMed 0.46843; gnomAD 0.48105 and 0.48724; gnomAD exomes 0.60099.
gnomAD v4.1: 395,157 of 686,554 alleles (58%); highest among the groups gnomAD compares: Middle Eastern, 68%; 120,005 homozygotes.

Submission:

GeneDx
Classification: Benign. Last evaluated: 2018-06-16. Review status: criteria provided, single submitter. Criteria: GeneDx Variant Classification (06012015). Collection method: clinical testing. Allele origin: germline. Affected: yes.
Comment: This variant is considered likely benign or benign based on one or more of the following criteria: it is a conservative change, it occurs at a poorly conserved position in the protein, it is predicted to be benign by multiple in silico algorithms, and/or has population frequency not consistent with disease.